The following is an entry in ClinVar:

NM_000383.4(AIRE):c.13G>A (p.Ala5Thr)

Gene: AIRE (autoimmune regulator; plus strand). Cytogenetic location: 21q22.3.
Variant type: single nucleotide variant.
Coding change: c.13G>A on transcript NM_000383.4 (MANE Select); coding-DNA position 13, G replaced by A.
Protein change: p.Ala5Thr; replaces alanine 5 with threonine.
Molecular consequence: missense variant.
Genome position (GRCh38, 1-based): chr21:44,286,019, G>A. VCF-style: chr21-44286019-G-A. GRCh37 (hg19) VCF-style: chr21-45705902-G-A.
Other names: short protein forms A5T.
Identifiers: ClinVar variation 2187127 (VCV002187127.2), dbSNP rs774168916, ClinGen allele CA10051459.
Genomic context (GRCh38, chr21:44,286,019, plus strand): 5'-CCGGGACCCACCGCGTCCGCCCCAGCCCCGGGTCCCCGCGCCCACCCCATGGCGACGGAC[G>A]CGGCGCTACGCCGGCTTCTGAGGCTGCACCGCACGGAGATCGCGGTGGCCGTGGACAGCG-3'
Protein context (NP_000374.1, residues 1-15): MATD[Ala5Thr]ALRRLLRLHR

ClinVar aggregate classification (germline): Uncertain significance. Review status: criteria provided, multiple submitters, no conflicts (2 of 4 stars). 2 submissions from 2 submitters: Uncertain significance (2). Last evaluated 2026-04-06.

Conditions:
Polyglandular autoimmune syndrome, type 1 (APS1). Also called: Autoimmune polyendocrinopathy syndrome, type I; AUTOIMMUNE POLYENDOCRINE SYNDROME, TYPE I, WITH OR WITHOUT REVERSIBLE METAPHYSEAL DYSPLASIA; APS I; Whitaker syndrome; Autoimmune polyendocrinopathy syndrome , type I, with or without reversible metaphyseal dysplasia; HYPOADRENOCORTICISM WITH HYPOPARATHYROIDISM AND SUPERFICIAL MONILIASIS. Identifiers: Orphanet 3453, MedGen C0085859, MONDO:0009411, OMIM 240300.
Inborn genetic diseases. Identifiers: MedGen C0950123, MeSH D030342.

Allele frequency attached by ClinVar (database versions not stated): gnomAD 0.00001; TOPMed 0.00001; ExAC 0.00009; gnomAD exomes 0.00001.
gnomAD v4.1: 9 of 1,532,418 alleles (0.00059%); highest among the groups gnomAD compares: African/African-American, 0.0014%; no homozygotes.

Submissions (2):

Ambry Genetics
Classification: Uncertain significance for Inborn genetic diseases. Last evaluated: 2026-04-06. Review status: criteria provided, single submitter. Criteria: Ambry Variant Classification Scheme 2023. Collection method: clinical testing. Allele origin: germline.

Labcorp Genetics (formerly Invitae), Labcorp
Classification: Uncertain significance for Polyglandular autoimmune syndrome, type 1. Last evaluated: 2022-07-19. Review status: criteria provided, single submitter. Criteria: Invitae Variant Classification Sherloc (09022015). Collection method: clinical testing. Allele origin: germline.
Comment: This sequence change replaces alanine, which is neutral and non-polar, with threonine, which is neutral and polar, at codon 5 of the AIRE protein (p.Ala5Thr). This variant is not present in population databases (gnomAD no frequency). This variant has not been reported in the literature in individuals affected with AIRE-related conditions. Algorithms developed to predict the effect of missense changes on protein structure and function output the following: SIFT: "Tolerated"; PolyPhen-2: "Possibly Damaging"; Align-GVGD: "Class C0". The threonine amino acid residue is found in multiple mammalian species, which suggests that this missense change does not adversely affect protein function. In summary, the available evidence is currently insufficient to determine the role of this variant in disease. Therefore, it has been classified as a Variant of Uncertain Significance.